The following is an entry in ClinVar:

ClinVar aggregate classification (germline): Uncertain significance. Review status: criteria provided, multiple submitters, no conflicts (2 of 4 stars). 2 submissions from 2 submitters: Uncertain significance (2). Last evaluated 2026-09-17.

Conditions:
Atypical hemolytic-uremic syndrome. Identifiers: Orphanet 2134, MedGen C2931788, MONDO:0016244.
Age related macular degeneration 4. Identifiers: MedGen C1853147, MONDO:0012540, OMIM 610698.
Hemolytic uremic syndrome, atypical, susceptibility to, 1. Also called: AHUS, SUSCEPTIBILITY TO, 1. Identifiers: Orphanet 2134, Orphanet 90038, MedGen C2749604, MONDO:0009335, OMIM 235400. Disease mechanism: Other.
Factor H deficiency (CFHD). Also called: COMPLEMENT FACTOR H DEFICIENCY; CFH DEFICIENCY. Identifiers: Orphanet 200421, MedGen C0398777, MONDO:0012350, OMIM 609814.
Basal laminar drusen. Also called: DRUSEN OF BRUCH MEMBRANE; DRUSEN, CUTICULAR; DRUSEN, EARLY ADULT-ONSET, GROUPED. Identifiers: Orphanet 75376, MedGen C0730295, MONDO:0007472, OMIM 126700.

gnomAD v4.1: 3 of 1,612,092 alleles (0.00019%); highest among the groups gnomAD compares: African/African-American, 0.004%; no homozygotes.

Submissions (2):

Genomenon, Inc
Classification: Uncertain significance for Atypical hemolytic-uremic syndrome. Last evaluated: 2026-09-17. Review status: criteria provided, single submitter. Criteria: Genomenon Sequence Variant Interpretation Standards - Updated. Collection method: curation. Allele origin: germline. Affected: yes.
Comment: CFH p.Lys670Thr (c.2009A>C) is a missense variant that changes the amino acid at codon 670 from lysine to threonine. This variant has been observed in at least one proband affected with atypical hemolytic-uremic syndrome (PMID: 28941939). Functional studies have been reported (PMID: 28941939). It is absent or not present at a significant frequency in gnomAD. In conclusion, we classify CFH p.Lys670Thr (c.2009A>C) as a variant of uncertain significance.

Fulgent Genetics
Classification: Uncertain significance for Basal laminar drusen; Hemolytic uremic syndrome, atypical, susceptibility to, 1; Factor H deficiency; Age related macular degeneration 4. Last evaluated: 2024-03-29. Review status: criteria provided, single submitter. Criteria: ACMG Guidelines, 2015. Collection method: clinical testing. Allele origin: germline.

Literature cited by the submitters: PubMed 28941939 (cited by Genomenon, Inc).

NM_000186.4(CFH):c.2009A>C (p.Lys670Thr)

Gene: CFH (complement factor H; plus strand). Cytogenetic location: 1q31.3.
Variant type: single nucleotide variant.
Coding change: c.2009A>C on transcript NM_000186.4 (MANE Select); coding-DNA position 2009, A replaced by C.
Protein change: p.Lys670Thr; replaces lysine 670 with threonine.
Molecular consequence: missense variant.
Genome position (GRCh38, 1-based): chr1:196,726,605, A>C. VCF-style: chr1-196726605-A-C. GRCh37 (hg19) VCF-style: chr1-196695735-A-C.
Other names: short protein forms K670T.
Identifiers: ClinVar variation 3575411 (VCV003575411.3).